The following is an entry in ClinVar:

ClinVar aggregate classification (germline): Pathogenic. Review status: criteria provided, multiple submitters, no conflicts (2 of 4 stars). 4 submissions from 4 submitters: Pathogenic (4). Last evaluated 2025-01-06.

Conditions:
Hereditary nonpolyposis colorectal neoplasms. Identifiers: MedGen C0009405, MeSH D003123.
Hereditary cancer-predisposing syndrome. Also called: Hereditary Cancer Syndrome; Tumor predisposition; Hereditary neoplastic syndrome; Neoplastic Syndromes, Hereditary. Identifiers: Orphanet 140162, MedGen C0027672, MeSH D009386, MONDO:0015356.
Lynch syndrome 5 (LYNCH5). Also called: Colorectal cancer, hereditary nonpolyposis, type 5; Hereditary non-polyposis colorectal cancer, type 5. Identifiers: Orphanet 144, MedGen C1833477, MONDO:0013710, OMIM 614350. Disease mechanism: loss of function.

Submissions (4):

Clinical Genetics Laboratory, University Hospital Schleswig-Holstein
Classification: Pathogenic for Lynch syndrome 5. Last evaluated: 2025-01-06. Review status: criteria provided, single submitter. Criteria: ACMG Guidelines, 2015. Collection method: clinical testing. Allele origin: germline.
Comment: ACMG criteria applied: PM2, PS4_Moderate, PVS1

Dasa
Classification: Pathogenic. Last evaluated: 2024-10-02. Review status: criteria provided, single submitter. Criteria: DASA Assertion Criteria. Collection method: clinical testing. Allele origin: germline.
Comment: NM_000179.3(MSH6):c.2089del (p.Asp697Ilefs*39) introduces a premature termination codon predicted to result in loss of normal protein function. Loss-of-function is an established mechanism of disease for this gene. Based on the available data, this variant is classified as pathogenic.

Labcorp Genetics (formerly Invitae), Labcorp
Classification: Pathogenic for Hereditary nonpolyposis colorectal neoplasms. Last evaluated: 2021-07-15. Review status: criteria provided, single submitter. Criteria: Invitae Variant Classification Sherloc (09022015). Collection method: clinical testing. Allele origin: germline.
Comment: This sequence change creates a premature translational stop signal (p.Asp697Ilefs*39) in the MSH6 gene. It is expected to result in an absent or disrupted protein product. For these reasons, this variant has been classified as Pathogenic. Loss-of-function variants in MSH6 are known to be pathogenic (PMID: 18269114, 24362816). This variant has not been reported in the literature in individuals with MSH6-related conditions. This variant is not present in population databases (ExAC no frequency).

Ambry Genetics
Classification: Pathogenic for Hereditary cancer-predisposing syndrome. Last evaluated: 2020-03-18. Review status: criteria provided, single submitter. Criteria: Ambry Variant Classification Scheme 2023. Collection method: clinical testing. Allele origin: germline.
Comment: The c.2089delG pathogenic mutation, located in coding exon 4 of the MSH6 gene, results from a deletion of one nucleotide at nucleotide position 2089, causing a translational frameshift with a predicted alternate stop codon (p.D697IFS*39). This alteration is expected to result in loss of function by premature protein truncation or nonsense-mediated mRNA decay. As such, this alteration is interpreted as a disease-causing mutation.

Literature cited by the submitters: PubMed 18269114 (cited by Labcorp Genetics (formerly Invitae), Labcorp); PubMed 24362816 (cited by Labcorp Genetics (formerly Invitae), Labcorp).

NM_000179.3(MSH6):c.2089del (p.Asp697fs)

Gene: MSH6 (mutS homolog 6; plus strand). Cytogenetic location: 2p16.3.
Variant type: Deletion.
Coding change: c.2089del on transcript NM_000179.3 (MANE Select); coding-DNA position 2089, one base deleted (G; older notation c.2089delG).
Protein change: p.Asp697fs; shifts the reading frame from aspartic acid 697.
Molecular consequence: frameshift variant.
Genome position (GRCh38, 1-based): chr2:47,800,072, G deleted. VCF-style (leftmost placement, unchanged base first): chr2-47800071-TG-T. GRCh37 (hg19) VCF-style: chr2-48027210-TG-T.
Other names: c.2089delG (NM_000179.2); c.1699del, p.Asp567fs (NM_001281492.2); c.1183del, p.Asp395fs (NM_001281493.2, NM_001281494.2); short protein forms D395fs, D567fs, D697fs.
Identifiers: ClinVar variation 216044 (VCV000216044.15), dbSNP rs863224475, ClinGen allele CA337225.